The following is an entry in ClinVar:

NM_005732.4(RAD50):c.1972A>G (p.Met658Val)

Gene: RAD50 (RAD50 double strand break repair protein; plus strand). Cytogenetic location: 5q31.1.
Variant type: single nucleotide variant.
Coding change: c.1972A>G on transcript NM_005732.4 (MANE Select); coding-DNA position 1972, A replaced by G.
Protein change: p.Met658Val; replaces methionine 658 with valine.
Molecular consequence: missense variant.
Genome position (GRCh38, 1-based): chr5:132,595,575, A>G. VCF-style: chr5-132595575-A-G. GRCh37 (hg19) VCF-style: chr5-131931267-A-G.
Other names: short protein forms M658V.
Identifiers: ClinVar variation 142417 (VCV000142417.14), dbSNP rs587782450, ClinGen allele CA168296.

ClinVar aggregate classification (germline): Uncertain significance. Review status: criteria provided, multiple submitters, no conflicts (2 of 4 stars). 2 submissions from 2 submitters: Uncertain significance (2). Last evaluated 2025-05-05.

Conditions:
Hereditary cancer-predisposing syndrome. Also called: Neoplastic Syndromes, Hereditary; Tumor predisposition; Hereditary Cancer Syndrome; Hereditary neoplastic syndrome. Identifiers: Orphanet 140162, MedGen C0027672, MeSH D009386, MONDO:0015356.

Allele frequency attached by ClinVar (database versions not stated): TOPMed below 0.00001.
gnomAD v4.1: 7 of 1,602,396 alleles (0.00044%); highest among the groups gnomAD compares: Non-Finnish European, 0.0006%; no homozygotes.

Submissions (2):

Labcorp Genetics (formerly Invitae), Labcorp
Classification: Uncertain significance for Hereditary cancer-predisposing syndrome. Last evaluated: 2025-05-05. Review status: criteria provided, single submitter. Criteria: Invitae Variant Classification Sherloc (09022015). Collection method: clinical testing. Allele origin: germline.
Comment: This sequence change replaces methionine, which is neutral and non-polar, with valine, which is neutral and non-polar, at codon 658 of the RAD50 protein (p.Met658Val). This variant is not present in population databases (gnomAD no frequency). This variant has not been reported in the literature in individuals affected with RAD50-related conditions. ClinVar contains an entry for this variant (Variation ID: 142417). An algorithm developed to predict the effect of missense changes on protein structure and function (PolyPhen-2) suggests that this variant is likely to be tolerated. In summary, the available evidence is currently insufficient to determine the role of this variant in disease. Therefore, it has been classified as a Variant of Uncertain Significance.

Ambry Genetics
Classification: Uncertain significance for Hereditary cancer-predisposing syndrome. Last evaluated: 2023-09-27. Review status: criteria provided, single submitter. Criteria: Ambry Variant Classification Scheme 2023. Collection method: clinical testing. Allele origin: germline.
Comment: The p.M658V variant (also known as c.1972A>G) is located in coding exon 13 of the RAD50 gene. This alteration results from an A to G substitution at nucleotide position 1972. The methionine at codon 658 is replaced by valine, an amino acid with highly similar properties. Based on protein sequence alignment, this amino acid position is well conserved in available vertebrate species. In addition, this alteration is predicted to be tolerated by in silico analysis. Since supporting evidence is limited at this time, the clinical significance of this alteration remains unclear.